The following is an entry in ClinVar:

ClinVar aggregate classification (germline): Uncertain significance. Review status: criteria provided, multiple submitters, no conflicts (2 of 4 stars). 4 submissions from 4 submitters: Uncertain significance (4). Last evaluated 2025-09-01.

Conditions:
Inborn genetic diseases. Identifiers: MedGen C0950123, MeSH D030342.
PEX6-related disorder. Also called: PEX6-related condition; PEX6-related disorders.
Peroxisome biogenesis disorder. Identifiers: Orphanet 79189, MedGen C1832200, MONDO:0019234. Disease mechanism: loss of function.

Allele frequency attached by ClinVar (database versions not stated): gnomAD 0.00001; TOPMed 0.00001; gnomAD exomes 0.00002; ExAC 0.00003; 1000 Genomes Project 30x 0.00016; 1000 Genomes Project 0.00020.
gnomAD v4.1: 38 of 1,613,778 alleles (0.0024%); highest among the groups gnomAD compares: African/African-American, 0.004%; no homozygotes.

Submissions (4):

Ambry Genetics
Classification: Uncertain significance for Inborn genetic diseases. Last evaluated: 2025-09-01. Review status: criteria provided, single submitter. Criteria: Ambry Variant Classification Scheme 2023. Collection method: clinical testing. Allele origin: germline.

PreventionGenetics, part of Exact Sciences
Classification: Uncertain significance for PEX6-related condition. Last evaluated: 2025-05-12. Review status: criteria provided, single submitter. Criteria: ACMG Guidelines, 2015. Collection method: clinical testing. Allele origin: germline.
Comment: The PEX6 c.2923C>T variant is predicted to result in the amino acid substitution p.Arg975Cys. To our knowledge, this variant has not been reported in the literature. This variant is reported in 0.0098% of alleles in individuals of South Asian descent in gnomAD. At this time, the clinical significance of this variant is uncertain due to the absence of conclusive functional and genetic evidence.

Mayo Clinic Laboratories, Mayo Clinic
Classification: Uncertain significance. Last evaluated: 2023-02-15. Review status: criteria provided, single submitter. Criteria: ACMG Guidelines, 2015. Collection method: clinical testing. Allele origin: germline. Observed: 1 variant allele.
Comment: PM2

Labcorp Genetics (formerly Invitae), Labcorp
Classification: Uncertain significance for Peroxisome biogenesis disorder. Last evaluated: 2022-08-09. Review status: criteria provided, single submitter. Criteria: Invitae Variant Classification Sherloc (09022015). Collection method: clinical testing. Allele origin: germline.
Comment: This sequence change replaces arginine, which is basic and polar, with cysteine, which is neutral and slightly polar, at codon 975 of the PEX6 protein (p.Arg975Cys). This variant is present in population databases (rs575358435, gnomAD 0.01%). This variant has not been reported in the literature in individuals affected with PEX6-related conditions. ClinVar contains an entry for this variant (Variation ID: 1400486). Algorithms developed to predict the effect of missense changes on protein structure and function output the following: SIFT: "Deleterious"; PolyPhen-2: "Benign"; Align-GVGD: "Class C0". The cysteine amino acid residue is found in multiple mammalian species, which suggests that this missense change does not adversely affect protein function. In summary, the available evidence is currently insufficient to determine the role of this variant in disease. Therefore, it has been classified as a Variant of Uncertain Significance.

NM_000287.4(PEX6):c.2923C>T (p.Arg975Cys)

Gene: PEX6 (peroxisomal biogenesis factor 6; minus strand). Cytogenetic location: 6p21.1.
Variant type: single nucleotide variant.
Coding change: c.2923C>T on transcript NM_000287.4 (MANE Select); coding-DNA position 2923, C replaced by T.
Protein change: p.Arg975Cys; replaces arginine 975 with cysteine.
Molecular consequence: missense variant. On other transcripts: non-coding transcript variant (1).
Genome position (GRCh38, 1-based): chr6:42,964,355, G>A on the plus strand (C>T on the coding strand, the complement: PEX6 is on the minus strand). VCF-style: chr6-42964355-G-A. GRCh37 (hg19) VCF-style: chr6-42932093-G-A.
Other names: p.Arg975Cys; c.2923C>T (NM_000287.3); c.2659C>T, p.Arg887Cys (NM_001316313.2); short protein forms R975C, R887C.
Identifiers: ClinVar variation 1400486 (VCV001400486.6), dbSNP rs575358435, ClinGen allele CA3810862.